The following is an entry in ClinVar:

ClinVar aggregate classification (germline): Pathogenic. Review status: reviewed by expert panel (3 of 4 stars). 3 submissions from 3 submitters: Pathogenic (1). 2 of the submissions do not count toward it. Last evaluated 2017-12-15.

Conditions:
Hereditary cancer-predisposing syndrome. Also called: Hereditary Cancer Syndrome; Neoplastic Syndromes, Hereditary; Tumor predisposition; Hereditary neoplastic syndrome. Identifiers: Orphanet 140162, MedGen C0027672, MeSH D009386, MONDO:0015356.
Breast-ovarian cancer, familial, susceptibility to, 2 (BROVCA2). Also called: BRCA2 Hereditary Breast and Ovarian Cancer. Identifiers: Orphanet 145, MedGen C2675520, MONDO:0012933, OMIM 612555. Disease mechanism: loss of function.
Hereditary breast ovarian cancer syndrome. Also called: Hereditary breast and/or ovarian cancer syndrome; BRCA1- and BRCA2-Associated Hereditary Breast and Ovarian Cancer; Hereditary breast and ovarian cancer syndrome (HBOC); Hereditary breast and ovarian cancer; Hereditary breast and ovarian cancer syndrome; Breast and ovarian cancer. Identifiers: Orphanet 145, MedGen C0677776, MeSH D061325, MONDO:0003582. Disease mechanism: loss of function.

Submissions (3):

Evidence-based Network for the Interpretation of Germline Mutant Alleles (ENIGMA)
Classification: Pathogenic for Breast-ovarian cancer, familial, susceptibility to, 2. Last evaluated: 2017-12-15. Review status: reviewed by expert panel. Criteria: ENIGMA BRCA1/2 Classification Criteria (2017-06-29). Collection method: curation. Allele origin: germline. Study: ENIGMA.
Comment: Variant allele predicted to encode a truncated non-functional protein.

Labcorp Genetics (formerly Invitae), Labcorp
Classification: Pathogenic for Hereditary breast ovarian cancer syndrome. Last evaluated: 2021-11-18. Review status: criteria provided, single submitter. Criteria: Invitae Variant Classification Sherloc (09022015). Collection method: clinical testing. Allele origin: germline. Not counted in ClinVar's aggregate classification.
Comment: This sequence change creates a premature translational stop signal (p.Cys138*) in the BRCA2 gene. It is expected to result in an absent or disrupted protein product. Loss-of-function variants in BRCA2 are known to be pathogenic (PMID: 20104584). This variant is not present in population databases (gnomAD no frequency). This premature translational stop signal has been observed in individual(s) with breast cancer (PMID: 25186627). ClinVar contains an entry for this variant (Variation ID: 230932). For these reasons, this variant has been classified as Pathogenic.

Ambry Genetics
Classification: Pathogenic for Hereditary cancer-predisposing syndrome. Last evaluated: 2021-03-08. Review status: criteria provided, single submitter. Criteria: Ambry Variant Classification Scheme 2023. Collection method: clinical testing. Allele origin: germline. Not counted in ClinVar's aggregate classification.
Comment: The c.413_417delGTCTT pathogenic mutation, located in coding exon 3 of the BRCA2 gene, results from a deletion of 5 nucleotides at nucleotide positions 413 to 417, causing a translational frameshift with a predicted alternate stop codon (p.C138*). This alteration is expected to result in loss of function by premature protein truncation or nonsense-mediated mRNA decay. As such, this alteration is interpreted as a disease-causing mutation.

Literature cited by the submitters: PubMed 20104584 (cited by Labcorp Genetics (formerly Invitae), Labcorp); PubMed 25186627 (cited by Labcorp Genetics (formerly Invitae), Labcorp).

NM_000059.4(BRCA2):c.413_417del (p.Ser137_Cys138insTer)

Gene: BRCA2 (BRCA2 DNA repair associated; plus strand). Cytogenetic location: 13q13.1.
Variant type: Deletion.
Coding change: c.413_417del on transcript NM_000059.4 (MANE Select); coding-DNA positions 413 to 417, 5 bases deleted (GTCTT; older notation c.413_417delGTCTT).
Protein change: p.Ser137_Cys138insTer.
Molecular consequence: nonsense.
Genome position (GRCh38, 1-based): chr13:32,325,172-32,325,176, GTCTT deleted; deleting any 5 consecutive bases within chr13:32,325,168-32,325,176 gives the same sequence; the c. name uses the placement nearest the transcript's 3' end. VCF-style (leftmost placement, unchanged base first): chr13-32325167-TTCTTG-T. GRCh37 (hg19) VCF-style: chr13-32899304-TTCTTG-T.
Other names: c.413_417delGTCTT (NM_000059.3).
Identifiers: ClinVar variation 230932 (VCV000230932.11), dbSNP rs876658850, ClinGen allele CA10579457.